The following is an entry in ClinVar:

ClinVar aggregate classification (germline): Benign (1 of 4 stars; one submission).

Allele frequency attached by ClinVar (database versions not stated): TOPMed 0.00071; gnomAD 0.00086; gnomAD exomes 0.00094.
gnomAD v4.1: 374 of 398,392 alleles (0.094%); highest among the groups gnomAD compares: Middle Eastern, 0.19%; 1 homozygote.

Submission:

CeGaT Center for Human Genetics Tuebingen
Classification: Benign. Last evaluated: 2026-09-01. Review status: criteria provided, single submitter. Criteria: CeGaT Center For Human Genetics Tuebingen Variant Classification Criteria Version 2. Collection method: clinical testing. Allele origin: germline. Affected: yes. Observed: 24 variant alleles.
Comment: KCNQ1OT1: BS1, BS2

NM_000218.3(KCNQ1):c.1394-20851A>G

Genes: KCNQ1 (potassium voltage-gated channel subfamily Q member 1; plus strand), KCNQ1OT1 (KCNQ1 opposite strand/antisense transcript 1; minus strand). Cytogenetic location: 11p15.5.
Variant type: single nucleotide variant.
Coding change: c.1394-20851A>G on transcript NM_000218.3 (MANE Select); 20851 bases into the intron before coding-DNA position 1394, A replaced by G.
Molecular consequence: intron variant.
Genome position (GRCh38, 1-based): chr11:2,641,110, A>G. VCF-style: chr11-2641110-A-G. GRCh37 (hg19) VCF-style: chr11-2662340-A-G.
Other names: c.1124-20851A>G (NM_001406837.1); c.1298-20851A>G (NM_001406836.1); c.854-20851A>G (NM_001406838.1); c.1013-20851A>G (NM_181798.2).
Identifiers: ClinVar variation 1711281 (VCV001711281.30), dbSNP rs755028109, ClinGen allele CA216154478.